The following is an entry in ClinVar:

ClinVar aggregate classification (germline): Benign/Likely benign. Review status: criteria provided, multiple submitters, no conflicts (2 of 4 stars). 3 submissions from 3 submitters: Benign (1); Likely benign (2). Last evaluated 2025-12-02.

Conditions:
Congenital microvillous atrophy (DIAR2). Also called: Microvillus inclusion disease; Diarrhea 2 with microvillus atrophy, with or without cholestasis; MICROVILLUS ATROPHY, CONGENITAL; CONGENITAL FAMILIAL PROTRACTED DIARRHEA WITH ENTEROCYTE BRUSH-BORDER ABNORMALITIES; DAVIDSON DISEASE. Identifiers: Orphanet 2290, MedGen C0341306, MONDO:0009635, OMIM 251850.

Allele frequency attached by ClinVar (database versions not stated): gnomAD 0.00003 and 0.00015; TOPMed 0.00003; gnomAD exomes 0.00063; ExAC 0.00081; 1000 Genomes Project 0.00120; 1000 Genomes Project 30x 0.00141.
gnomAD v4.1: 438 of 1,614,178 alleles (0.027%); highest among the groups gnomAD compares: South Asian, 0.41%; 5 homozygotes.

Submissions (3):

Labcorp Genetics (formerly Invitae), Labcorp
Classification: Benign. Last evaluated: 2025-12-02. Review status: criteria provided, single submitter. Criteria: Invitae Variant Classification Sherloc (09022015). Collection method: clinical testing. Allele origin: germline.

Blueprint Genetics
Classification: Likely benign. Last evaluated: 2024-10-23. Review status: criteria provided, single submitter. Criteria: ACMG Guidelines, 2015. Collection method: clinical testing. Allele origin: germline.

Illumina Laboratory Services, Illumina
Classification: Likely benign for Congenital microvillous atrophy. Last evaluated: 2018-01-13. Review status: criteria provided, single submitter. Criteria: ICSL Variant Classification Criteria 13 December 2019. Collection method: clinical testing. Allele origin: germline.
Comment: This variant was observed in the ICSL laboratory as part of a predisposition screen in an ostensibly healthy population. It had not been previously curated by ICSL or reported in the Human Gene Mutation Database (HGMD: prior to June 1st, 2018), and was therefore a candidate for classification through an automated scoring system. Utilizing variant allele frequency, disease prevalence and penetrance estimates, and inheritance mode, an automated score was calculated to assess if this variant is too frequent to cause the disease. Based on the score and internal cut-off values, a variant classified as likely benign is not then subjected to further curation. The score for this variant resulted in a classification of likely benign for this disease.

NM_001080467.3(MYO5B):c.1322+11C>T

Gene: MYO5B (myosin VB; minus strand). Cytogenetic location: 18q21.1.
Variant type: single nucleotide variant.
Coding change: c.1322+11C>T on transcript NM_001080467.3 (MANE Select); 11 bases into the intron after coding-DNA position 1322, C replaced by T.
Molecular consequence: intron variant.
Genome position (GRCh38, 1-based): chr18:49,974,339, G>A on the plus strand (C>T on the coding strand, the complement: MYO5B is on the minus strand). VCF-style: chr18-49974339-G-A. GRCh37 (hg19) VCF-style: chr18-47500709-G-A.
Identifiers: ClinVar variation 889861 (VCV000889861.13), dbSNP rs142044259, ClinGen allele CA8961584.
Genomic context (GRCh38, chr18:49,974,339, plus strand): 5'-TGCTGGCTGTAAAGTATGAGCAGGAAGCCACTCCCAGGTAGCAGATAGAGCGAGACAGGC[G>A]GCAGGCCTACCCATAGATGTCCAGGACCCCGATGAAGGAGTGCTGCTTGAGGGAGGTGTG-3'